The following is an entry in ClinVar:

NM_000069.3(CACNA1S):c.2853+6C>T

Gene: CACNA1S (calcium voltage-gated channel subunit alpha1 S; minus strand). Cytogenetic location: 1q32.1.
Variant type: single nucleotide variant.
Coding change: c.2853+6C>T on transcript NM_000069.3 (MANE Select); 6 bases into the intron after coding-DNA position 2853, C replaced by T.
Molecular consequence: intron variant.
Genome position (GRCh38, 1-based): chr1:201,065,832, G>A on the plus strand (C>T on the coding strand, the complement: CACNA1S is on the minus strand). VCF-style: chr1-201065832-G-A. GRCh37 (hg19) VCF-style: chr1-201034960-G-A.
Identifiers: ClinVar variation 1022728 (VCV001022728.12), dbSNP rs376299130, ClinGen allele CA079340.

ClinVar aggregate classification (germline): Uncertain significance. Review status: criteria provided, multiple submitters, no conflicts (2 of 4 stars). 8 submissions from 5 submitters: Uncertain significance (8). Last evaluated 2025-07-07.

Conditions:
Congenital myopathy 18. Also called: Myopathy, congenital, due to dihydropyridine receptor defect; DIHYDROPYRIDINE RECEPTOR CONGENITAL MYOPATHY; DHPR CONGENITAL MYOPATHY. Identifiers: MedGen C5830283, MONDO:0859514, OMIM 620246.
Malignant hyperthermia, susceptibility to, 5 (MHS5). Also called: CACNA1S-Related Malignant Hyperthermia Susceptibility. Identifiers: Orphanet 423, MedGen C1866077, MONDO:0011163, OMIM 601887.
Thyrotoxic periodic paralysis, susceptibility to, 1 (TTPP1). Identifiers: Orphanet 79102, MedGen C2749982, MONDO:0008570, OMIM 188580.
Hypokalemic periodic paralysis, type 1. Also called: HypoPP; Hypokalemic Periodic Paralysis Type 1 (AD). Identifiers: Orphanet 681, MedGen C3714580, MONDO:0042979, OMIM 170400.

Allele frequency attached by ClinVar (database versions not stated): ExAC 0.00002; gnomAD 0.00002; gnomAD exomes 0.00002 and 0.00004; TOPMed 0.00002; ESP Exome Variant Server 0.00008.
gnomAD v4.1: 58 of 1,607,164 alleles (0.0036%); highest among the groups gnomAD compares: Non-Finnish European, 0.0046%; no homozygotes.

Submissions (8):

Color Diagnostics, LLC DBA Color Health
Classification: Uncertain significance for Malignant hyperthermia, susceptibility to, 5. Last evaluated: 2025-07-07. Review status: criteria provided, single submitter. Criteria: ACMG Guidelines, 2015. Collection method: clinical testing. Allele origin: germline.
Comment: This variant causes a C to T nucleotide substitution at the +6 position of intron 22 of the CACNA1S gene. To our knowledge, RNA studies have not been reported for this variant. This variant has not been reported in individuals affected with CACNA1S-related disorders in the literature. This variant has been identified in 7/282342 chromosomes in the general population by the Genome Aggregation Database (gnomAD). The available evidence is insufficient to determine the role of this variant in disease conclusively. Therefore, this variant is classified as a Variant of Uncertain Significance.

Labcorp Genetics (formerly Invitae), Labcorp
Classification: Uncertain significance for Hypokalemic periodic paralysis, type 1; Malignant hyperthermia, susceptibility to, 5. Last evaluated: 2024-01-15. Review status: criteria provided, single submitter. Criteria: Invitae Variant Classification Sherloc (09022015). Collection method: clinical testing. Allele origin: germline.
Comment: This sequence change falls in intron 22 of the CACNA1S gene. It does not directly change the encoded amino acid sequence of the CACNA1S protein. It affects a nucleotide within the consensus splice site. This variant is present in population databases (rs376299130, gnomAD 0.008%). This variant has not been reported in the literature in individuals affected with CACNA1S-related conditions. ClinVar contains an entry for this variant (Variation ID: 1022728). Variants that disrupt the consensus splice site are a relatively common cause of aberrant splicing (PMID: 17576681, 9536098). Algorithms developed to predict the effect of sequence changes on RNA splicing suggest that this variant is not likely to affect RNA splicing. In summary, the available evidence is currently insufficient to determine the role of this variant in disease. Therefore, it has been classified as a Variant of Uncertain Significance.

All of Us Research Program, National Institutes of Health
Classification: Uncertain significance for Malignant hyperthermia, susceptibility to, 5. Last evaluated: 2024-01-11. Review status: criteria provided, single submitter. Criteria: ACMG Guidelines, 2015. Collection method: clinical testing. Allele origin: germline. Inheritance: Autosomal dominant inheritance. Observed: 6 variant alleles, 6 heterozygotes.
Comment: This variant causes a C to T nucleotide substitution at the +6 position of intron 22 of the CACNA1S gene. To our knowledge, RNA studies have not been reported for this variant. This variant has not been reported in individuals affected with CACNA1S-related disorders in the literature. This variant has been identified in 7/282342 chromosomes in the general population by the Genome Aggregation Database (gnomAD). The available evidence is insufficient to determine the role of this variant in disease conclusively. Therefore, this variant is classified as a Variant of Uncertain Significance.

This study involves interpretation of variants in research participants for the purpose of population health screening. Participant phenotype was not available at the time of variant classification. Additional details can be found in publication PMID: 35346344, PMCID: PMC8962531

Genome-Nilou Lab
Classification: Uncertain significance for Malignant hyperthermia, susceptibility to, 5. Last evaluated: 2023-04-11. Review status: criteria provided, single submitter. Criteria: ACMG Guidelines, 2015. Collection method: clinical testing. Allele origin: germline. Affected: no.

Genome-Nilou Lab
Classification: Uncertain significance for Thyrotoxic periodic paralysis, susceptibility to, 1. Last evaluated: 2023-04-11. Review status: criteria provided, single submitter. Criteria: ACMG Guidelines, 2015. Collection method: clinical testing. Allele origin: germline. Affected: no.

Genome-Nilou Lab
Classification: Uncertain significance for Congenital myopathy 18. Last evaluated: 2023-04-11. Review status: criteria provided, single submitter. Criteria: ACMG Guidelines, 2015. Collection method: clinical testing. Allele origin: germline. Affected: no.

Genome-Nilou Lab
Classification: Uncertain significance for Hypokalemic periodic paralysis, type 1. Last evaluated: 2023-04-11. Review status: criteria provided, single submitter. Criteria: ACMG Guidelines, 2015. Collection method: clinical testing. Allele origin: germline. Affected: no.

Fulgent Genetics
Classification: Uncertain significance for Hypokalemic periodic paralysis, type 1; Thyrotoxic periodic paralysis, susceptibility to, 1; Malignant hyperthermia, susceptibility to, 5. Last evaluated: 2021-09-15. Review status: criteria provided, single submitter. Criteria: ACMG Guidelines, 2015. Collection method: clinical testing. Allele origin: unknown.

Literature cited by the submitters: PubMed 17576681 (cited by Labcorp Genetics (formerly Invitae), Labcorp); PubMed 9536098 (cited by Labcorp Genetics (formerly Invitae), Labcorp).